The following is an entry in ClinVar:

ClinVar aggregate classification (germline): Uncertain significance (1 of 4 stars; one submission).

Conditions:
Osteogenesis imperfecta type I (OI1). Also called: Lobstein disease; OI, TYPE I; OSTEOGENESIS IMPERFECTA TARDA; OSTEOGENESIS IMPERFECTA WITH BLUE SCLERAE; Osteogenesis imperfecta type 1; Lobstein's Disease. Identifiers: Orphanet 216796, Orphanet 666, MedGen C0023931, MONDO:0008146, OMIM 166200. Disease mechanism: loss of function.
Ehlers-Danlos syndrome, classic type, 1 (EDSCL1). Also called: EDS I; EHLERS-DANLOS SYNDROME, GRAVIS TYPE; EHLERS-DANLOS SYNDROME, SEVERE CLASSIC TYPE; Ehlers-Danlos syndrome, type 1; Ehlers-Danlos Syndrome, Classic Type, COL5A1-Related. Identifiers: MedGen C0268335, MONDO:0019567, OMIM 130000.

Allele frequency attached by ClinVar (database versions not stated): gnomAD exomes below 0.00001.
gnomAD v4.1: 4 of 1,614,002 alleles (0.00025%); highest among the groups gnomAD compares: Non-Finnish European, 0.00034%; no homozygotes.

Submission:

Labcorp Genetics (formerly Invitae), Labcorp
Classification: Uncertain significance for Osteogenesis imperfecta type I; Ehlers-Danlos syndrome, classic type, 1. Last evaluated: 2024-04-03. Review status: criteria provided, single submitter. Criteria: Invitae Variant Classification Sherloc (09022015). Collection method: clinical testing. Allele origin: germline.
Comment: This sequence change replaces arginine, which is basic and polar, with glycine, which is neutral and non-polar, at codon 663 of the COL1A2 protein (p.Arg663Gly). This variant is not present in population databases (gnomAD no frequency). This variant has not been reported in the literature in individuals affected with COL1A2-related conditions. Advanced modeling of protein sequence and biophysical properties (such as structural, functional, and spatial information, amino acid conservation, physicochemical variation, residue mobility, and thermodynamic stability) has been performed at Invitae for this missense variant, however the output from this modeling did not meet the statistical confidence thresholds required to predict the impact of this variant on COL1A2 protein function. In summary, the available evidence is currently insufficient to determine the role of this variant in disease. Therefore, it has been classified as a Variant of Uncertain Significance.

NM_000089.4(COL1A2):c.1987A>G (p.Arg663Gly)

Gene: COL1A2 (collagen type I alpha 2 chain; plus strand). Cytogenetic location: 7q21.3.
Variant type: single nucleotide variant.
Coding change: c.1987A>G on transcript NM_000089.4 (MANE Select); coding-DNA position 1987, A replaced by G.
Protein change: p.Arg663Gly; replaces arginine 663 with glycine.
Molecular consequence: missense variant.
Genome position (GRCh38, 1-based): chr7:94,418,514, A>G. VCF-style: chr7-94418514-A-G. GRCh37 (hg19) VCF-style: chr7-94047826-A-G.
Other names: short protein forms R663G.
Identifiers: ClinVar variation 2927966 (VCV002927966.3), dbSNP rs1792088525, ClinGen allele CA368223011.